The following is an entry in ClinVar:

NM_015559.3(SETBP1):c.3818C>T (p.Thr1273Met)

Gene: SETBP1 (SET binding protein 1; plus strand). Cytogenetic location: 18q12.3.
Variant type: single nucleotide variant.
Coding change: c.3818C>T on transcript NM_015559.3 (MANE Select); coding-DNA position 3818, C replaced by T.
Protein change: p.Thr1273Met; replaces threonine 1273 with methionine.
Molecular consequence: missense variant.
Genome position (GRCh38, 1-based): chr18:44,953,158, C>T. VCF-style: chr18-44953158-C-T. GRCh37 (hg19) VCF-style: chr18-42533123-C-T.
Other names: c.3818C>T, p.Thr1273Met (NM_001379141.1, NM_001379142.1); short protein forms T1273M.
Identifiers: ClinVar variation 1012435 (VCV001012435.43), dbSNP rs958733748, ClinGen allele CA299699816.

ClinVar aggregate classification (germline): Benign/Likely benign. Review status: criteria provided, multiple submitters, no conflicts (2 of 4 stars). 2 submissions from 2 submitters: Benign (1); Likely benign (1). Last evaluated 2026-07-01.

Allele frequency attached by ClinVar (database versions not stated): gnomAD exomes 0.00001; TOPMed 0.00004.
gnomAD v4.1: 27 of 1,613,874 alleles (0.0017%); highest among the groups gnomAD compares: Non-Finnish European, 0.0019%; no homozygotes.

Submissions (2):

CeGaT Center for Human Genetics Tuebingen
Classification: Likely benign. Last evaluated: 2026-07-01. Review status: criteria provided, single submitter. Criteria: CeGaT Center For Human Genetics Tuebingen Variant Classification Criteria Version 2. Collection method: clinical testing. Allele origin: germline. Affected: yes. Observed: 4 variant alleles.
Comment: SETBP1: BP4

Labcorp Genetics (formerly Invitae), Labcorp
Classification: Benign. Last evaluated: 2025-12-08. Review status: criteria provided, single submitter. Criteria: Invitae Variant Classification Sherloc (09022015). Collection method: clinical testing. Allele origin: germline.